The following is an entry in ClinVar:

NM_004990.4(MARS1):c.343G>A (p.Gly115Ser)

Gene: MARS1 (methionyl-tRNA synthetase 1; plus strand). Cytogenetic location: 12q13.3.
Variant type: single nucleotide variant.
Coding change: c.343G>A on transcript NM_004990.4 (MANE Select); coding-DNA position 343, G replaced by A.
Protein change: p.Gly115Ser; replaces glycine 115 with serine.
Molecular consequence: missense variant.
Genome position (GRCh38, 1-based): chr12:57,489,487, G>A. VCF-style: chr12-57489487-G-A. GRCh37 (hg19) VCF-style: chr12-57883270-G-A.
Other names: short protein forms G115S.
Identifiers: ClinVar variation 1681689 (VCV001681689.8), dbSNP rs2139997870, ClinGen allele CA385491226.

ClinVar aggregate classification (germline): Uncertain significance (1 of 4 stars; one submission).

Conditions:
Severe early-onset pulmonary alveolar proteinosis due to MARS deficiency. Also called: PULMONARY ALVEOLAR PROTEINOSIS, REUNION ISLAND; Interstitial lung and liver disease. Identifiers: Orphanet 440427, MedGen C4225400, MONDO:0014206, OMIM 615486.
Charcot-Marie-Tooth disease axonal type 2U. Also called: CHARCOT-MARIE-TOOTH NEUROPATHY, TYPE 2U; CHARCOT-MARIE-TOOTH DISEASE, AXONAL, AUTOSOMAL DOMINANT, TYPE 2U. Identifiers: Orphanet 397735, MedGen C4084821, MONDO:0014566, OMIM 616280.

Allele frequency attached by ClinVar (database versions not stated): gnomAD exomes below 0.00001.
gnomAD v4.1: 3 of 1,614,176 alleles (0.00019%); highest among the groups gnomAD compares: Non-Finnish European, 0.00025%; no homozygotes.

Submission:

Labcorp Genetics (formerly Invitae), Labcorp
Classification: Uncertain significance for Charcot-Marie-Tooth disease axonal type 2U; Severe early-onset pulmonary alveolar proteinosis due to MARS deficiency. Last evaluated: 2021-05-14. Review status: criteria provided, single submitter. Criteria: Invitae Variant Classification Sherloc (09022015). Collection method: clinical testing. Allele origin: germline.
Comment: This variant has not been reported in the literature in individuals with MARS-related conditions. In summary, the available evidence is currently insufficient to determine the role of this variant in disease. Therefore, it has been classified as a Variant of Uncertain Significance. Algorithms developed to predict the effect of missense changes on protein structure and function output the following: SIFT: "Tolerated"; PolyPhen-2: "Benign"; Align-GVGD: "Class C0". The serine amino acid residue is found in multiple mammalian species, suggesting that this missense change does not adversely affect protein function. These predictions have not been confirmed by published functional studies and their clinical significance is uncertain. This variant is not present in population databases (ExAC no frequency). This sequence change replaces glycine with serine at codon 115 of the MARS protein (p.Gly115Ser). The glycine residue is moderately conserved and there is a small physicochemical difference between glycine and serine.